The following is an entry in ClinVar:

ClinVar aggregate classification (germline): Pathogenic (1 of 4 stars; one submission).

Conditions:
Spastic paraplegia. Identifiers: MedGen C0037772, HP:0001258.

Allele frequency attached by ClinVar (database versions not stated): ExAC 0.00001; gnomAD exomes 0.00001.

Submission:

Labcorp Genetics (formerly Invitae), Labcorp
Classification: Pathogenic for Spastic paraplegia. Last evaluated: 2022-01-16. Review status: criteria provided, single submitter. Criteria: Invitae Variant Classification Sherloc (09022015). Collection method: clinical testing. Allele origin: germline.
Comment: For these reasons, this variant has been classified as Pathogenic. This variant has not been reported in the literature in individuals affected with ZFYVE26-related conditions. This variant is present in population databases (rs776502858, gnomAD 0.002%). This sequence change creates a premature translational stop signal (p.Asp681Metfs*5) in the ZFYVE26 gene. It is expected to result in an absent or disrupted protein product. Loss-of-function variants in ZFYVE26 are known to be pathogenic (PMID: 18394578, 19805727).

Literature cited by the submitters: PubMed 18394578; PubMed 19805727.

NM_015346.4(ZFYVE26):c.2040del (p.Asp681fs)

Gene: ZFYVE26 (zinc finger FYVE-type containing 26; minus strand). Cytogenetic location: 14q24.1.
Variant type: Deletion.
Coding change: c.2040del on transcript NM_015346.4 (MANE Select); coding-DNA position 2040, one base deleted (T; older notation c.2040delT).
Protein change: p.Asp681fs; shifts the reading frame from aspartic acid 681.
Molecular consequence: frameshift variant.
Genome position (GRCh38, 1-based): chr14:67,798,222, A deleted on the plus strand (T on the coding strand, the reverse complement: ZFYVE26 is on the minus strand). VCF-style (leftmost placement, unchanged base first): chr14-67798221-CA-C. GRCh37 (hg19) VCF-style: chr14-68264938-CA-C.
Other names: short protein forms D681fs.
Identifiers: ClinVar variation 2084619 (VCV002084619.4), dbSNP rs776502858, ClinGen allele CA7240406.